The following is an entry in ClinVar:

ClinVar aggregate classification (germline): Uncertain significance (1 of 4 stars; one submission).

Submission:

Ambry Genetics
Classification: Uncertain significance. Last evaluated: 2026-08-29. Review status: criteria provided, single submitter. Criteria: Ambry Variant Classification Scheme 2023. Collection method: clinical testing. Allele origin: germline.
Comment: The p.R8G variant (also known as c.22A>G), located in coding exon 1 of the MC1R gene, results from an A to G substitution at nucleotide position 22. The arginine at codon 8 is replaced by glycine, an amino acid with dissimilar properties. This amino acid position is conserved. In addition, this alteration is predicted to be tolerated by in silico analysis. Based on the available evidence, the clinical significance of this variant remains unclear.

NM_002386.4(MC1R):c.22A>G (p.Arg8Gly)

Gene: MC1R (melanocortin 1 receptor; plus strand). Cytogenetic location: 16q24.3.
Variant type: single nucleotide variant.
Coding change: c.22A>G on transcript NM_002386.4 (MANE Select); coding-DNA position 22, A replaced by G.
Protein change: p.Arg8Gly; replaces arginine 8 with glycine.
Molecular consequence: missense variant.
Genome position (GRCh38, 1-based): chr16:89,919,280, A>G. VCF-style: chr16-89919280-A-G. GRCh37 (hg19) VCF-style: chr16-89985688-A-G.
Other names: short protein forms R8G.
Identifiers: ClinVar variation 5024087 (VCV005024087.1).
Genomic context (GRCh38, chr16:89,919,280, plus strand): 5'-AGGCCTCCAACGACTCCTTCCTGCTTCCTGGACAGGACTATGGCTGTGCAGGGATCCCAG[A>G]GAAGACTTCTGGGCTCCCTCAACTCCACCCCCACAGCCATCCCCCAGCTGGGGCTGGCTG-3'
Protein context (NP_002377.4, residues 1-18): MAVQGSQ[Arg8Gly]RLLGSLNSTP